The following is an entry in ClinVar:

ClinVar aggregate classification (germline): Pathogenic (1 of 4 stars; one submission).

Submission:

GeneDx
Classification: Pathogenic. Last evaluated: 2018-07-26. Review status: criteria provided, single submitter. Criteria: GeneDx Variant Classification (06012015). Collection method: clinical testing. Allele origin: germline. Affected: yes.
Comment: The c.3562_3563insA variant in the ANKRD11 gene has not been reported previously as a pathogenic variant nor as a benign variant, to our knowledge. The c.3562_3563insA variant causes a frameshift starting with codon Arginine 1188, changes this amino acid to a Glutamine residue, and creates a premature Stop codon at position 16 of the new reading frame, denoted p.Arg1188GlnfsX16. This variant is predicted to cause loss of normal protein function either through protein truncation or nonsense-mediated mRNA decay. The c.3562_3563insA variant is not observed in large population cohorts (Lek et al., 2016). We interpret c.3562_3563insA as a pathogenic variant.

NM_013275.6(ANKRD11):c.3562_3563insA (p.Arg1188fs)

Gene: ANKRD11 (ankyrin repeat domain containing 11; minus strand). Cytogenetic location: 16q24.3.
Variant type: Insertion.
Coding change: c.3562_3563insA on transcript NM_013275.6 (MANE Select); coding-DNA positions 3562 to 3563, A inserted.
Protein change: p.Arg1188fs; shifts the reading frame from arginine 1188.
Molecular consequence: frameshift variant.
Genome position: GRCh38 VCF-style: chr16-89282979-C-CT. GRCh37 (hg19) VCF-style: chr16-89349387-C-CT.
Other names: c.3562_3563insA, p.Arg1188fs (NM_001256182.2, NM_001256183.2); short protein forms R1188fs.
Identifiers: ClinVar variation 817747 (VCV000817747.1), dbSNP rs1597455752, ClinGen allele CA915949424.